The following is an entry in ClinVar:

NM_000540.3(RYR1):c.6838G>A (p.Val2280Ile)

Gene: RYR1 (ryanodine receptor 1; plus strand). Cytogenetic location: 19q13.2.
Variant type: single nucleotide variant.
Coding change: c.6838G>A on transcript NM_000540.3 (MANE Select); coding-DNA position 6838, G replaced by A.
Protein change: p.Val2280Ile; replaces valine 2280 with isoleucine.
Molecular consequence: missense variant.
Genome position (GRCh38, 1-based): chr19:38,496,901, G>A. VCF-style: chr19-38496901-G-A. GRCh37 (hg19) VCF-style: chr19-38987541-G-A.
Other names: rs193922797; c.6838G>A, p.Val2280Ile (NM_001042723.2); c.6838G>A (NM_000540.2); short protein forms V2280I.
Identifiers: ClinVar variation 133172 (VCV000133172.56), dbSNP rs193922797, ClinGen allele CA024651.

ClinVar aggregate classification (germline): Likely pathogenic. Review status: reviewed by expert panel (3 of 4 stars). 23 submissions from 23 submitters: Likely pathogenic (1). 22 of the submissions do not count toward it. Last evaluated 2023-05-20.

Conditions:
Congenital multicore myopathy with external ophthalmoplegia (CMYO1B). Also called: Congenital myopathy 1B, autosomal recessive; Minicore myopathy; MULTICORE MYOPATHY; MULTIMINICORE DISEASE WITH EXTERNAL OPHTHALMOPLEGIA; Minicore myopathy with external ophthalmoplegia. Identifiers: Orphanet 598, Orphanet 98905, MedGen C1850674, MONDO:0009712, OMIM 255320, HP:0003789.
Central core myopathy (CMYO1A). Also called: CONGENITAL MYOPATHY 1A, AUTOSOMAL DOMINANT, WITH SUSCEPTIBILITY TO MALIGNANT HYPERTHERMIA; Central core disease; Myopathy, central fibrillar. Identifiers: Orphanet 597, MedGen C5830701, MONDO:0007294, OMIM 117000.
King Denborough syndrome (KDS). Identifiers: MedGen C1840365, MONDO:0020485, OMIM 619542.
Malignant hyperthermia, susceptibility to, 1 (MHS1). Also called: Malignant hyperthermia suceptibility 1; Anesthesia related hyperthermia; Malignant hyperpyrexia; Fulminating hyperpyrexia; Pharmacogenic myopathy; RYR1-Related Malignant Hyperthermia Susceptibility. Identifiers: Orphanet 423, MedGen C2930980, MONDO:0007783, OMIM 145600.
RYR1-related disorder. Also called: RYR1-related disorders; RYR1-related condition. Identifiers: MedGen CN239331.
Inborn genetic diseases. Identifiers: MedGen C0950123, MeSH D030342.
Malignant hyperthermia of anesthesia. Also called: Anesthesic-triggered malignant hyperthermia. Identifiers: Orphanet 423, MedGen C0024591, MONDO:0018493, HP:0034733.

Allele frequency attached by ClinVar (database versions not stated): gnomAD exomes 0.00002; ExAC 0.00003; TOPMed 0.00007.
gnomAD v4.1: 99 of 1,613,396 alleles (0.0061%); highest among the groups gnomAD compares: Non-Finnish European, 0.0073%; no homozygotes.

Submissions 1 to 7 of 23:

ClinGen Malignant Hyperthermia Susceptibility Variant Curation Expert Panel, ClinGen
Classification: Likely pathogenic for Malignant hyperthermia, susceptibility to, 1. Last evaluated: 2023-05-20. Review status: reviewed by expert panel. Criteria: ClinGen MHS ACMG Specifications V2. Collection method: curation. Allele origin: germline. Inheritance: Autosomal dominant inheritance.
Comment: This pathogenicity assessment is relevant only for malignant hyperthermia susceptibility (MHS) inherited in an autosomal dominant pattern. Variants in RYR1 can also cause other myopathies inherited in an autosomal dominant pattern or in an autosomal recessive pattern. Some of these disorders may predispose individuals to malignant hyperthermia. RYR1 variants may also contribute to a malignant hyperthermia reaction in combination with other genetic and non-genetic factors and the clinician needs to consider such factors in making management decisions. This sequence variant predicts a substitution of valine with isoleucine at codon 2280 of the RYR1 protein, p.(Val2280Ile). The maximum allele frequency for this variant among the six major gnomAD populations is NFE: 0.000035, a frequency consistent with pathogenicity for MHS. This variant has been reported in three unrelated individuals who have a personal or family history of a malignant hyperthermia reaction, two of these individuals had a positive in vitro contracture test (IVCT) or caffeine halothane contracture test (CHCT) result (if the proband was unavailable for testing, a positive diagnostic test result in a mutation-positive relative was counted), PS4_Moderate (PMID:30864471, PMID:30236257; MHIU Toronto - MH proband CGS 45). Functional studies in HEK293 cells show an increased sensitivity to RYR1 agonists, PS3_Moderate (PMID:36208971). This variant resides in a region of RYR1 considered to be a hotspot for pathogenic variants that contribute to MHS, PM1 (PMID: 21118704). A REVEL score of 0.641 supports neither a pathogenic nor a benign status for this variant. This variant has been classified as a Likely Pathogenic. Criteria implemented: PS3_Moderate, PS4_Moderate, PM1.

Department of Medical Genetics, Jagiellonian University Medical College
Classification: Pathogenic for King Denborough syndrome. Last evaluated: 2026-08-03. Review status: criteria provided, single submitter. Criteria: ACMG Guidelines, 2015. Collection method: research. Allele origin: unknown. Inheritance: Autosomal dominant inheritance. Affected: yes. Observed: 1 variant allele, 1 heterozygote. Not counted in ClinVar's aggregate classification.

PreventionGenetics, part of Exact Sciences
Classification: Likely pathogenic for RYR1-related condition. Last evaluated: 2026-08-02. Review status: criteria provided, single submitter. Criteria: ACMG Guidelines, 2015. Collection method: clinical testing. Allele origin: germline. Not counted in ClinVar's aggregate classification.
Comment: The RYR1 c.6838G>A variant is predicted to result in the amino acid substitution p.Val2280Ile. This variant has been reported in individuals with autosomal dominant RYR1-related disorders, including multiple individuals with malignant hyperthermia (MH) susceptibility confirmed via in vitro contracture testing (IVCT; see, for example, Galli et al. 2002. PubMed ID: 12208234; Scalco et al. 2016. PubMed ID: 27431030; Hudig et al. 2019. PubMed ID: 30864471). It segregated with disease in eight MH-susceptible individuals from one family, although two additional family members who were negative for this variant were also MH-susceptible (White et al. 2022. PubMed ID: 36208971). While this variant has only been reported in the literature in relation to autosomal dominant conditions, at PreventionGenetics, it has been observed with a second RYR1 variant in individuals being tested for autosomal recessive myopathy (Internal Data). In vitro experimental studies indicate this variant impacts protein function (White et al. 2022. PubMed ID: 36208971). It is reported in 0.0046% of alleles in individuals of European (Finnish) descent in gnomAD and has been classified as likely pathogenic by the ClinGen Malignant Hyperthermia Susceptibility Variant Curation Expert Panel (Variation ID: 133172). This variant occurs in a region of the gene considered to be a hotspot for MH or central core disease (Witherspoon and Meilleur. 2016. PubMed ID: 27855725). This variant is interpreted as likely pathogenic for both autosomal recessive and dominant RYR1-related disorders.

CeGaT Center for Human Genetics Tuebingen
Classification: Likely pathogenic. Last evaluated: 2026-08-01. Review status: criteria provided, single submitter. Criteria: CeGaT Center For Human Genetics Tuebingen Variant Classification Criteria Version 2. Collection method: clinical testing. Allele origin: germline. Affected: yes. Observed: 4 variant alleles. Not counted in ClinVar's aggregate classification.
Comment: RYR1: PM1, PS4:Moderate, PM2:Supporting, PS3:Supporting

GeneDx
Classification: Likely pathogenic. Last evaluated: 2026-04-24. Review status: criteria provided, single submitter. Criteria: GeneDx Variant Classification Process June 2021. Collection method: clinical testing. Allele origin: germline. Not counted in ClinVar's aggregate classification.
Comment: Reported in multiple unrelated individuals with rhabdomyolysis; one individual was also affected with muscle cramps and elevated CK levels (PMID: 27431030, 30788618, 40429823); Reported in a patient with muscle weakness and cramps, chronically elevated CK, heat intolerance, and an episode of hyperthermia and leg stiffness who inherited the variant from their apparently unaffected mother (PMID: 31559918); Reported in two unrelated individuals and multiple affected individuals within one family with malignant hyperthermia susceptibility; however, this variant did not segregate with all affected individuals in this family (PMID: 36208971, 12208234, 30864471); Published functional studies suggest this variant leads to hypersensitivity of the RYR1 channel (PMID: 36208971); Not observed at significant frequency in large population cohorts (gnomAD); In silico analysis suggests that this missense variant does not alter protein structure/function; This variant is associated with the following publications: (PMID: 16835904, 16115682, 12208234, 27431030, 20301325, 30864471, 28007021, 30788618, 36208971, 37510298, 30236257, 27900193, 21118704, 22418739, 40869992, 39747233, 40429823, 31559918, 12668474, 33767344)

Ambry Genetics
Classification: Likely pathogenic for Inborn genetic diseases. Last evaluated: 2026-04-11. Review status: criteria provided, single submitter. Criteria: Ambry Variant Classification Scheme 2023. Collection method: clinical testing. Allele origin: germline. Not counted in ClinVar's aggregate classification.
Comment: The c.6838G>A (p.V2280I) alteration is located in exon 42 (coding exon 42) of the RYR1 gene. This alteration results from a G to A substitution at nucleotide position 6838, causing the valine (V) at amino acid position 2280 to be replaced by an isoleucine (I). Based on data from gnomAD, the A allele has an overall frequency of 0.002% (6/250004) total alleles studied. The highest observed frequency was 0.005% (1/21596) of European (Finnish) alleles. This variant was reported in individuals with features consistent with malignant hyperthermia susceptibility (Galli, 2002; Hudig, 2019). This amino acid position is well conserved in available vertebrate species. Functional studies in HEK293 cells show an increased sensitivity to RYR1 agonists (White, 2022). This alteration is predicted to be deleterious by in silico analysis. Based on the available evidence, this alteration is classified as likely pathogenic.

Institute of Human Genetics, University of Leipzig Medical Center
Classification: Likely pathogenic for Malignant hyperthermia, susceptibility to, 1. Last evaluated: 2026-02-19. Review status: criteria provided, single submitter. Criteria: ACMG Guidelines, 2015. Collection method: clinical testing. Allele origin: unknown. Inheritance: Autosomal dominant inheritance. Affected: yes. Not counted in ClinVar's aggregate classification.
Comment: Criteria applied: PS3_MOD,PS4_MOD,PM1